The following is an entry in ClinVar:

ClinVar aggregate classification (germline): Uncertain significance (1 of 4 stars; one submission).

gnomAD v4.1: 1 of 1,612,460 alleles (0.000062%); highest among the groups gnomAD compares: Admixed American, 0.0017%; no homozygotes.

Submission:

Labcorp Genetics (formerly Invitae), Labcorp
Classification: Uncertain significance. Last evaluated: 2023-09-26. Review status: criteria provided, single submitter. Criteria: Invitae Variant Classification Sherloc (09022015). Collection method: clinical testing. Allele origin: germline.
Comment: In summary, the available evidence is currently insufficient to determine the role of this variant in disease. Therefore, it has been classified as a Variant of Uncertain Significance. An algorithm developed to predict the effect of missense changes on protein structure and function (PolyPhen-2) suggests that this variant is likely to be disruptive. This sequence change replaces glutamine, which is neutral and polar, with histidine, which is basic and polar, at codon 1382 of the COL4A1 protein (p.Gln1382His). This variant has not been reported in the literature in individuals affected with COL4A1-related conditions. This variant is not present in population databases (gnomAD no frequency).

NM_001845.6(COL4A1):c.4146G>C (p.Gln1382His)

Gene: COL4A1 (collagen type IV alpha 1 chain; minus strand). Cytogenetic location: 13q34.
Variant type: single nucleotide variant.
Coding change: c.4146G>C on transcript NM_001845.6 (MANE Select); coding-DNA position 4146, G replaced by C.
Protein change: p.Gln1382His; replaces glutamine 1382 with histidine.
Molecular consequence: missense variant.
Genome position (GRCh38, 1-based): chr13:110,164,866, C>G on the plus strand (G>C on the coding strand, the complement: COL4A1 is on the minus strand). VCF-style: chr13-110164866-C-G. GRCh37 (hg19) VCF-style: chr13-110817213-C-G.
Other names: short protein forms Q1382H.
Identifiers: ClinVar variation 2777571 (VCV002777571.3), dbSNP rs1212852539, ClinGen allele CA388659939.